The following is an entry in ClinVar:

NC_000014.9:g.(?_66965171)_(67100931_?)dup

Gene: GPHN (gephyrin; plus strand). Cytogenetic location: 14q23.3.
Variant type: Duplication.
Identifiers: ClinVar variation 831939 (VCV000831939.6).

ClinVar aggregate classification (germline): Uncertain significance (1 of 4 stars; one submission).

Conditions:
Sulfite oxidase deficiency due to molybdenum cofactor deficiency type C. Also called: Molybdenum cofactor deficiency, complementation group C; Molybdenum cofactor deficiency C. Identifiers: Orphanet 308400, Orphanet 833, MedGen C1854990, MONDO:0014212, OMIM 615501.

Submission:

Labcorp Genetics (formerly Invitae), Labcorp
Classification: Uncertain significance for Sulfite oxidase deficiency due to molybdenum cofactor deficiency type C. Last evaluated: 2019-04-19. Review status: criteria provided, single submitter. Criteria: Invitae Variant Classification Sherloc (09022015). Collection method: clinical testing. Allele origin: germline.
Comment: In summary, the available evidence is currently insufficient to determine the role of this variant in disease. Therefore, it has been classified as a Variant of Uncertain Significance. Experimental studies and prediction algorithms are not available for this variant, and the functional significance of the affected amino acid(s) is currently unknown. This variant has not been reported in the literature in individuals with GPHN-related conditions. This variant results in a copy number gain of the genomic region encompassing exons 9-13 of the GPHN gene. While the exact position of this variant cannot be determined from this data, sub-genic copy number gains are generally in tandem (PMID: 25640679). This variant would be expected to be in-frame, preserving the integrity of the reading frame.

Literature cited by the submitters: PubMed 25640679.